The following is an entry in ClinVar:

NM_000051.4(ATM):c.5763-1046A>G

Genes: ATM (ATM serine/threonine kinase; plus strand), C11orf65 (chromosome 11 open reading frame 65; minus strand). Cytogenetic location: 11q22.3.
Variant type: single nucleotide variant.
Coding change: c.5763-1046A>G on transcript NM_000051.4 (MANE Select); 1046 bases into the intron before coding-DNA position 5763, A replaced by G.
Molecular consequence: intron variant.
Genome position (GRCh38, 1-based): chr11:108,309,114, A>G. VCF-style: chr11-108309114-A-G. GRCh37 (hg19) VCF-style: chr11-108179841-A-G.
Other names: c.5763-1046A>G (NM_001351834.2); c.641-43T>C (NM_001330368.2); c.*39-43T>C (NM_001351110.2).
Identifiers: ClinVar variation 3037003 (VCV003037003.3), dbSNP rs1220535593, ClinGen allele CA601723680.

ClinVar aggregate classification (germline): Likely benign. Review status: criteria provided, single submitter (1 of 4 stars). 2 submissions from 2 submitters: Likely benign (1). 1 of the submissions does not count toward it. Last evaluated 2024-11-27.

Conditions:
ATM-related disorder. Also called: ATM-related disorders; ATM-related condition.

Allele frequency attached by ClinVar (database versions not stated): gnomAD 0.00001; TOPMed 0.00003.
gnomAD v4.1: 7 of 1,139,476 alleles (0.00061%); highest among the groups gnomAD compares: East Asian, 0.018%; no homozygotes.

Submissions (2):

Blueprint Genetics
Classification: Likely benign. Last evaluated: 2024-11-27. Review status: criteria provided, single submitter. Criteria: ACMG Guidelines, 2015. Collection method: clinical testing. Allele origin: germline.

PreventionGenetics, part of Exact Sciences
Classification: Likely benign for ATM-related condition. Last evaluated: 2024-02-14. Review status: no assertion criteria provided. Collection method: clinical testing. Allele origin: germline. Not counted in ClinVar's aggregate classification.
Comment: This variant is classified as likely benign based on ACMG/AMP sequence variant interpretation guidelines (Richards et al. 2015 PMID: 25741868, with internal and published modifications).